The following is an entry in ClinVar:

ClinVar aggregate classification (germline): Pathogenic (1 of 4 stars; one submission).

Conditions:
Muscular dystrophy-dystroglycanopathy type B6 (MDDGB6). Also called: MUSCULAR DYSTROPHY-DYSTROGLYCANOPATHY (CONGENITAL WITH IMPAIRED INTELLECTUAL DEVELOPMENT), TYPE B, 6; MUSCULAR DYSTROPHY, CONGENITAL, LARGE-RELATED; MUSCULAR DYSTROPHY, CONGENITAL, TYPE 1D. Identifiers: MedGen C1837229, MONDO:0012138, OMIM 608840.

Submission:

Labcorp Genetics (formerly Invitae), Labcorp
Classification: Pathogenic for Muscular dystrophy-dystroglycanopathy type B6. Last evaluated: 2023-07-30. Review status: criteria provided, single submitter. Criteria: Invitae Variant Classification Sherloc (09022015). Collection method: clinical testing. Allele origin: unknown.
Comment: For these reasons, this variant has been classified as Pathogenic. This variant disrupts a region of the LARGE1 protein in which other variant(s) ( p.Cys667Leufs*28) have been determined to be pathogenic (PMID: 12966029). This suggests that this is a clinically significant region of the protein, and that variants that disrupt it are likely to be disease-causing. This variant has not been reported in the literature in individuals affected with LARGE1-related conditions. This variant is a gross deletion of the genomic region encompassing exon(s) 4-16 of the LARGE1 gene, which includes the termination codon. This deletion extends beyond the assayed region for this gene and therefore may encompass additional genes. While this deletion is not anticipated to lead to nonsense mediated decay, it is expected to alter mRNA translation or result in a truncated protein product.

Literature cited by the submitters: PubMed 12966029.

NC_000022.10:g.(?_33670413)_(34046674_?)del

Gene: LARGE1 (LARGE xylosyl- and glucuronyltransferase 1; minus strand). Cytogenetic location: 22q12.3.
Variant type: Deletion.
Identifiers: ClinVar variation 3247646 (VCV003247646.1).